The following is an entry in ClinVar:

NM_020937.4(FANCM):c.5606C>G (p.Ser1869Cys)

Gene: FANCM (FA complementation group M; plus strand). Cytogenetic location: 14q21.2.
Variant type: single nucleotide variant.
Coding change: c.5606C>G on transcript NM_020937.4 (MANE Select); coding-DNA position 5606, C replaced by G.
Protein change: p.Ser1869Cys; replaces serine 1869 with cysteine.
Molecular consequence: missense variant.
Genome position (GRCh38, 1-based): chr14:45,196,437, C>G. VCF-style: chr14-45196437-C-G. GRCh37 (hg19) VCF-style: chr14-45665640-C-G.
Other names: c.5528C>G, p.Ser1843Cys (NM_001308133.2); short protein forms S1869C, S1843C.
Identifiers: ClinVar variation 5036556 (VCV005036556.1).

ClinVar aggregate classification (germline): Uncertain significance (1 of 4 stars; one submission).

Conditions:
Inborn genetic diseases. Identifiers: MedGen C0950123, MeSH D030342.

Submission:

Ambry Genetics
Classification: Uncertain significance for Inborn genetic diseases. Last evaluated: 2026-06-16. Review status: criteria provided, single submitter. Criteria: Ambry Variant Classification Scheme 2023. Collection method: clinical testing. Allele origin: germline.
Comment: The p.S1869C variant (also known as c.5606C>G), located in coding exon 21 of the FANCM gene, results from a C to G substitution at nucleotide position 5606. The serine at codon 1869 is replaced by cysteine, an amino acid with dissimilar properties. This amino acid position is conserved. In addition, this alteration is predicted to be tolerated by in silico analysis. Based on the available evidence, the clinical significance of this variant remains unclear.